The following is an entry in ClinVar:

ClinVar aggregate classification (germline): Uncertain significance (1 of 4 stars; one submission).

Conditions:
Osteogenesis imperfecta type 7 (OI7). Also called: OSTEOGENESIS IMPERFECTA, TYPE IIB; Osteogenesis imperfecta type 2B; OI type 2B; Osteogenesis imperfecta, perinatal lethal autosomal recessive; OI type IIB; OI type 7. Identifiers: MedGen C1853162, MONDO:0012536, OMIM 610682.

Submission:

Labcorp Genetics (formerly Invitae), Labcorp
Classification: Uncertain significance for Osteogenesis imperfecta type 7. Last evaluated: 2023-01-22. Review status: criteria provided, single submitter. Criteria: Invitae Variant Classification Sherloc (09022015). Collection method: clinical testing. Allele origin: germline.
Comment: In summary, the available evidence is currently insufficient to determine the role of this variant in disease. Therefore, it has been classified as a Variant of Uncertain Significance. Advanced modeling of protein sequence and biophysical properties (such as structural, functional, and spatial information, amino acid conservation, physicochemical variation, residue mobility, and thermodynamic stability) performed at Invitae indicates that this missense variant is expected to disrupt CRTAP protein function. This variant has not been reported in the literature in individuals affected with CRTAP-related conditions. This variant is not present in population databases (gnomAD no frequency). This sequence change replaces arginine, which is basic and polar, with leucine, which is neutral and non-polar, at codon 72 of the CRTAP protein (p.Arg72Leu).

NM_006371.5(CRTAP):c.215G>T (p.Arg72Leu)

Gene: CRTAP (cartilage associated protein; plus strand). Cytogenetic location: 3p22.3.
Variant type: single nucleotide variant.
Coding change: c.215G>T on transcript NM_006371.5 (MANE Select); coding-DNA position 215, G replaced by T.
Protein change: p.Arg72Leu; replaces arginine 72 with leucine.
Molecular consequence: missense variant.
Genome position (GRCh38, 1-based): chr3:33,114,292, G>T. VCF-style: chr3-33114292-G-T. GRCh37 (hg19) VCF-style: chr3-33155784-G-T.
Other names: c.215G>T, p.Arg72Leu (NM_001393363.1, NM_001393364.1, NM_001393365.1); short protein forms R72L.
Identifiers: ClinVar variation 2831132 (VCV002831132.3), dbSNP rs1222420596, ClinGen allele CA352008392.